The following is an entry in ClinVar:

ClinVar aggregate classification (germline): Likely benign. Review status: criteria provided, single submitter (1 of 4 stars). 2 submissions from 2 submitters: Likely benign (1). 1 of the submissions does not count toward it. Last evaluated 2026-08-01.

Conditions:
PIDD1-related disorder. Also called: PIDD1-related condition.

Allele frequency attached by ClinVar (database versions not stated): 1000 Genomes Project 30x 0.00031; 1000 Genomes Project 0.00040; gnomAD 0.00084; TOPMed 0.00097; ESP Exome Variant Server 0.00100; ExAC 0.00114; gnomAD exomes 0.00147.
gnomAD v4.1: 2,315 of 1,608,402 alleles (0.14%); highest among the groups gnomAD compares: Middle Eastern, 0.35%; 7 homozygotes.

Submissions (3):

CeGaT Center for Human Genetics Tuebingen
Classification: Likely benign. Last evaluated: 2026-08-01. Review status: criteria provided, single submitter. Criteria: CeGaT Center For Human Genetics Tuebingen Variant Classification Criteria Version 2. Collection method: clinical testing. Allele origin: germline. Affected: yes. Observed: 3 variant alleles.
Comment: PIDD1: BP4, BP7

PreventionGenetics, part of Exact Sciences
Classification: Likely benign for PIDD1-related condition. Last evaluated: 2019-02-28. Review status: no assertion criteria provided. Collection method: clinical testing. Allele origin: germline. Not counted in ClinVar's aggregate classification.
Comment: This variant is classified as likely benign based on ACMG/AMP sequence variant interpretation guidelines (Richards et al. 2015 PMID: 25741868, with internal and published modifications).

Dr. Peter K. Rogan Lab, Western University
No classification provided (evidence only). Condition: Lung cancer. Review status: no classification provided. Collection method: in vitro. Allele origin: not applicable. Functional consequence: retained intron. Not counted in ClinVar's aggregate classification.

NM_145886.4(PIDD1):c.2700G>A (p.Ser900=)

Gene: PIDD1 (p53-induced death domain protein 1; minus strand). Cytogenetic location: 11p15.5.
Variant type: single nucleotide variant.
Coding change: c.2700G>A on transcript NM_145886.4 (MANE Select); coding-DNA position 2700, G replaced by A.
Protein change: p.Ser900=; no amino-acid change (serine 900 retained).
Molecular consequence: synonymous variant.
Genome position (GRCh38, 1-based): chr11:799,340, C>T on the plus strand (G>A on the coding strand, the complement: PIDD1 is on the minus strand). VCF-style: chr11-799340-C-T. GRCh37 (hg19) VCF-style: chr11-799340-C-T.
Other names: NC_000011.9:g.799340C>T; c.2649G>A, p.Ser883= (NM_145887.4).
Identifiers: ClinVar variation 3056640 (VCV003056640.10), dbSNP rs144262676, ClinGen allele CA5789452.